The following is an entry in ClinVar:

NM_000218.3(KCNQ1):c.1514+13711G>T

Genes: KCNQ1 (potassium voltage-gated channel subfamily Q member 1; plus strand), KCNQ1OT1 (KCNQ1 opposite strand/antisense transcript 1; minus strand). Cytogenetic location: 11p15.5.
Variant type: single nucleotide variant.
Coding change: c.1514+13711G>T on transcript NM_000218.3 (MANE Select); 13711 bases into the intron after coding-DNA position 1514, G replaced by T.
Molecular consequence: intron variant. On other transcripts: non-coding transcript variant (1).
Genome position (GRCh38, 1-based): chr11:2,675,792, G>T. VCF-style: chr11-2675792-G-T. GRCh37 (hg19) VCF-style: chr11-2697022-G-T.
Other names: c.1244+13711G>T (NM_001406837.1); c.1418+13711G>T (NM_001406836.1); c.974+13711G>T (NM_001406838.1); c.1133+13711G>T (NM_181798.2).
Identifiers: ClinVar variation 3250919 (VCV003250919.18), dbSNP rs1002299459.

ClinVar aggregate classification (germline): Benign (1 of 4 stars; one submission).

Allele frequency attached by ClinVar (database versions not stated): gnomAD exomes 0.00007; 1000 Genomes Project 30x 0.00016; gnomAD 0.00018; TOPMed 0.00029.
gnomAD v4.1: 47 of 398,716 alleles (0.012%); highest among the groups gnomAD compares: Admixed American, 0.13%; no homozygotes.

Submission:

CeGaT Center for Human Genetics Tuebingen
Classification: Benign. Last evaluated: 2024-06-01. Review status: criteria provided, single submitter. Criteria: CeGaT Center For Human Genetics Tuebingen Variant Classification Criteria Version 2. Collection method: clinical testing. Allele origin: germline. Affected: yes. Observed: 1 variant allele.
Comment: KCNQ1OT1: BS1, BS2